The following is an entry in ClinVar:

NM_006514.4(SCN10A):c.4787T>A (p.Leu1596Gln)

Gene: SCN10A (sodium voltage-gated channel alpha subunit 10; minus strand). Cytogenetic location: 3p22.2.
Variant type: single nucleotide variant.
Coding change: c.4787T>A on transcript NM_006514.4 (MANE Select); coding-DNA position 4787, T replaced by A.
Protein change: p.Leu1596Gln; replaces leucine 1596 with glutamine.
Molecular consequence: missense variant.
Genome position (GRCh38, 1-based): chr3:38,698,433, A>T on the plus strand (T>A on the coding strand, the complement: SCN10A is on the minus strand). VCF-style: chr3-38698433-A-T. GRCh37 (hg19) VCF-style: chr3-38739924-A-T.
Other names: c.4784T>A, p.Leu1595Gln (NM_001293306.2); c.4493T>A, p.Leu1498Gln (NM_001293307.2); short protein forms L1595Q, L1596Q, L1498Q.
Identifiers: ClinVar variation 3665697 (VCV003665697.2).

ClinVar aggregate classification (germline): Uncertain significance (1 of 4 stars; one submission).

Conditions:
Brugada syndrome. Also called: Sudden unexpected nocturnal death syndrome; Sudden unexplained nocturnal death syndrome; Sudden Unexplained Death Syndrome; Sudden Unexplained Nocturnal Death Syndrome (SUNDS). Identifiers: Orphanet 130, MedGen C1142166, MONDO:0015263.

Submission:

Labcorp Genetics (formerly Invitae), Labcorp
Classification: Uncertain significance for Brugada syndrome. Last evaluated: 2024-10-31. Review status: criteria provided, single submitter. Criteria: Invitae Variant Classification Sherloc (09022015). Collection method: clinical testing. Allele origin: germline.
Comment: This sequence change replaces leucine, which is neutral and non-polar, with glutamine, which is neutral and polar, at codon 1596 of the SCN10A protein (p.Leu1596Gln). This variant is not present in population databases (gnomAD no frequency). This variant has not been reported in the literature in individuals affected with SCN10A-related conditions. Invitae Evidence Modeling of protein sequence and biophysical properties (such as structural, functional, and spatial information, amino acid conservation, physicochemical variation, residue mobility, and thermodynamic stability) indicates that this missense variant is expected to disrupt SCN10A protein function with a positive predictive value of 80%. In summary, the available evidence is currently insufficient to determine the role of this variant in disease. Therefore, it has been classified as a Variant of Uncertain Significance.